The following is an entry in ClinVar:

ClinVar aggregate classification (germline): Uncertain significance (1 of 4 stars; one submission).

Conditions:
Familial thoracic aortic aneurysm and aortic dissection (TAAD). Also called: Thoracic aortic aneurysms and dissections. Identifiers: Orphanet 91387, MedGen C4707243, MONDO:0019625.

Submission:

Ambry Genetics
Classification: Uncertain significance for Familial thoracic aortic aneurysm and aortic dissection. Last evaluated: 2024-06-28. Review status: criteria provided, single submitter. Criteria: Ambry Variant Classification Scheme 2023. Collection method: clinical testing. Allele origin: germline.
Comment: The p.E476Q variant (also known as c.1426G>C), located in coding exon 4 of the SKI gene, results from a G to C substitution at nucleotide position 1426. The glutamic acid at codon 476 is replaced by glutamine, an amino acid with highly similar properties. This amino acid position is conserved. In addition, the in silico prediction for this alteration is inconclusive. Based on the available evidence, the clinical significance of this variant remains unclear.

NM_003036.4(SKI):c.1426G>C (p.Glu476Gln)

Gene: SKI (SKI proto-oncogene; plus strand). Cytogenetic location: 1p36.32.
Variant type: single nucleotide variant.
Coding change: c.1426G>C on transcript NM_003036.4 (MANE Select); coding-DNA position 1426, G replaced by C.
Protein change: p.Glu476Gln; replaces glutamic acid 476 with glutamine.
Molecular consequence: missense variant.
Genome position (GRCh38, 1-based): chr1:2,304,054, G>C. VCF-style: chr1-2304054-G-C. GRCh37 (hg19) VCF-style: chr1-2235493-G-C.
Other names: short protein forms E476Q.
Identifiers: ClinVar variation 3442284 (VCV003442284.1).